The following is an entry in ClinVar:

ClinVar aggregate classification (germline): Uncertain significance (1 of 4 stars; one submission).

Conditions:
Anauxetic dysplasia. Identifiers: Orphanet 93347, MedGen C1846796, MONDO:0011773.

Allele frequency attached by ClinVar (database versions not stated): gnomAD exomes 0.00001 and 0.00002; gnomAD 0.00003.
gnomAD v4.1: 16 of 700,110 alleles (0.0023%); highest among the groups gnomAD compares: African/African-American, 0.0035%; no homozygotes.

Submission:

Labcorp Genetics (formerly Invitae), Labcorp
Classification: Uncertain significance for Anauxetic dysplasia. Last evaluated: 2022-03-10. Review status: criteria provided, single submitter. Criteria: Invitae Variant Classification Sherloc (09022015). Collection method: clinical testing. Allele origin: germline.
Comment: This variant occurs in the RMRP gene, which encodes an RNA molecule that does not result in a protein product. The frequency data for this variant in the population databases is considered unreliable, as metrics indicate poor data quality at this position in the gnomAD database. This variant has been observed in individual(s) with cartilage-hair hypoplasia (PMID: 16838329). This variant is also known as 101C>T. Experimental studies and prediction algorithms are not available or were not evaluated, and the functional significance of this variant is currently unknown. In summary, the available evidence is currently insufficient to determine the role of this variant in disease. Therefore, it has been classified as a Variant of Uncertain Significance.

Literature cited by the submitters: PubMed 16838329.

NC_000009.12:g.35657917G>A

Gene: RMRP (RNA component of mitochondrial RNA processing endoribonuclease; minus strand). Cytogenetic location: 9p13.3.
Variant type: single nucleotide variant.
Genome position: GRCh38 VCF-style: chr9-35657917-G-A. GRCh37 (hg19) VCF-style: chr9-35657914-G-A.
Identifiers: ClinVar variation 1424987 (VCV001424987.3), dbSNP rs954709065, ClinGen allele CA192745636.